The following is an entry in ClinVar:

ClinVar aggregate classification (germline): Conflicting classifications of pathogenicity. Review status: criteria provided, conflicting classifications (1 of 4 stars). 4 submissions from 3 submitters: Uncertain significance (2); Likely benign (2). Last evaluated 2025-10-29.

Conditions:
Progressive familial intrahepatic cholestasis type 3. Also called: Low Gamma-GT Familial Intrahepatic Cholestasis; MDR3 DEFICIENCY. Identifiers: Orphanet 79305, MedGen C1865643, MONDO:0011214, OMIM 602347.
Cholestasis, intrahepatic, of pregnancy, 3. Identifiers: Orphanet 69665, MedGen C3554241, MONDO:0013995, OMIM 614972.

Allele frequency attached by ClinVar (database versions not stated): ExAC 0.00014; ESP Exome Variant Server 0.00015; 1000 Genomes Project 30x 0.00016; gnomAD exomes 0.00016 and 0.00023; TOPMed 0.00019; 1000 Genomes Project 0.00020; gnomAD 0.00023 and 0.00025.
gnomAD v4.1: 360 of 1,614,080 alleles (0.022%); highest among the groups gnomAD compares: Non-Finnish European, 0.029%; no homozygotes.

Submissions (4):

Labcorp Genetics (formerly Invitae), Labcorp
Classification: Likely benign. Last evaluated: 2025-10-29. Review status: criteria provided, single submitter. Criteria: Invitae Variant Classification Sherloc (09022015). Collection method: clinical testing. Allele origin: germline.

Illumina Laboratory Services, Illumina
Classification: Uncertain significance for Cholestasis, intrahepatic, of pregnancy, 3. Last evaluated: 2018-01-13. Review status: criteria provided, single submitter. Criteria: ICSL Variant Classification Criteria 13 December 2019. Collection method: clinical testing. Allele origin: germline.

Illumina Laboratory Services, Illumina
Classification: Uncertain significance for Progressive familial intrahepatic cholestasis type 3. Last evaluated: 2018-01-13. Review status: criteria provided, single submitter. Criteria: ICSL Variant Classification Criteria 13 December 2019. Collection method: clinical testing. Allele origin: germline.

GeneDx
Classification: Likely benign. Last evaluated: 2016-02-23. Review status: criteria provided, single submitter. Criteria: GeneDx Variant Classification (06012015). Collection method: clinical testing. Allele origin: germline. Affected: yes.
Comment: This variant is considered likely benign or benign based on one or more of the following criteria: it is a conservative change, it occurs at a poorly conserved position in the protein, it is predicted to be benign by multiple in silico algorithms, and/or has population frequency not consistent with disease.

NM_000443.4(ABCB4):c.3543G>A (p.Gln1181=)

Gene: ABCB4 (ATP binding cassette subfamily B member 4; minus strand). Cytogenetic location: 7q21.12.
Variant type: single nucleotide variant.
Coding change: c.3543G>A on transcript NM_000443.4 (MANE Select); coding-DNA position 3543, G replaced by A.
Protein change: p.Gln1181=; no amino-acid change (glutamine 1181 retained).
Molecular consequence: synonymous variant.
Genome position (GRCh38, 1-based): chr7:87,403,225, C>T on the plus strand (G>A on the coding strand, the complement: ABCB4 is on the minus strand). VCF-style: chr7-87403225-C-T. GRCh37 (hg19) VCF-style: chr7-87032541-C-T.
Other names: c.3564G>A, p.Gln1188= (NM_018849.3); c.3402G>A, p.Gln1134= (NM_018850.3).
Identifiers: ClinVar variation 383483 (VCV000383483.8), dbSNP rs140592811, ClinGen allele CA4326739.